The following is an entry in ClinVar:

ClinVar aggregate classification (germline): Uncertain significance (1 of 4 stars; one submission).

Submission:

Labcorp Genetics (formerly Invitae), Labcorp
Classification: Uncertain significance. Last evaluated: 2022-03-19. Review status: criteria provided, single submitter. Criteria: Invitae Variant Classification Sherloc (09022015). Collection method: clinical testing. Allele origin: germline.
Comment: This variant is not present in population databases (gnomAD no frequency). This sequence change replaces valine, which is neutral and non-polar, with isoleucine, which is neutral and non-polar, at codon 1300 of the CACNA1F protein (p.Val1300Ile). This variant has not been reported in the literature in individuals affected with CACNA1F-related conditions. Algorithms developed to predict the effect of missense changes on protein structure and function are either unavailable or do not agree on the potential impact of this missense change (SIFT: "Deleterious"; PolyPhen-2: "Benign"; Align-GVGD: "Class C25"). Algorithms developed to predict the effect of sequence changes on RNA splicing suggest that this variant may disrupt the consensus splice site. In summary, the available evidence is currently insufficient to determine the role of this variant in disease. Therefore, it has been classified as a Variant of Uncertain Significance.

NM_001256789.3(CACNA1F):c.3865G>A (p.Val1289Ile)

Gene: CACNA1F (calcium voltage-gated channel subunit alpha1 F; minus strand). Cytogenetic location: Xp11.23.
Variant type: single nucleotide variant.
Coding change: c.3865G>A on transcript NM_001256789.3 (MANE Select); coding-DNA position 3865, G replaced by A.
Protein change: p.Val1289Ile; replaces valine 1289 with isoleucine.
Molecular consequence: missense variant.
Genome position (GRCh38, 1-based): chrX:49,212,744, C>T on the plus strand (G>A on the coding strand, the complement: CACNA1F is on the minus strand). VCF-style: chrX-49212744-C-T. GRCh37 (hg19) VCF-style: chrX-49069204-C-T.
Other names: c.3703G>A, p.Val1235Ile (NM_001256790.3); c.3898G>A, p.Val1300Ile (NM_005183.4); short protein forms V1289I, V1300I, V1235I.
Identifiers: ClinVar variation 1431665 (VCV001431665.6), dbSNP rs2147899019, ClinGen allele CA412962372.